The following is an entry in ClinVar:

NM_144596.4(TTC8):c.314C>T (p.Pro105Leu)

Gene: TTC8 (tetratricopeptide repeat domain 8; plus strand). Cytogenetic location: 14q31.3.
Variant type: single nucleotide variant.
Coding change: c.314C>T on transcript NM_144596.4 (MANE Select); coding-DNA position 314, C replaced by T.
Protein change: p.Pro105Leu; replaces proline 105 with leucine.
Molecular consequence: missense variant. On other transcripts: 5 prime UTR variant (2), non-coding transcript variant (1).
Genome position (GRCh38, 1-based): chr14:88,840,913, C>T. VCF-style: chr14-88840913-C-T. GRCh37 (hg19) VCF-style: chr14-89307257-C-T.
Other names: c.284C>T, p.Pro95Leu (NM_001288781.1, NM_001366535.2, NM_001366536.2 and 2 more transcripts); c.-279C>T (NM_001288782.1); c.-374C>T (NM_001288783.1); short protein forms P95L, P105L.
Identifiers: ClinVar variation 4997160 (VCV004997160.1).

ClinVar aggregate classification (germline): Uncertain significance (1 of 4 stars; one submission).

Conditions:
TTC8-related disorder. Also called: TTC8-related condition.

gnomAD v4.1: 1 of 1,614,008 alleles (0.000062%); highest among the groups gnomAD compares: African/African-American, 0.0013%; no homozygotes.

Submission:

PreventionGenetics, part of Exact Sciences
Classification: Uncertain significance for TTC8-related condition. Last evaluated: 2025-01-23. Review status: criteria provided, single submitter. Criteria: ACMG Guidelines, 2015. Collection method: clinical testing. Allele origin: germline.
Comment: The TTC8 c.314C>T variant is predicted to result in the amino acid substitution p.Pro105Leu. To our knowledge, this variant has not been reported in the literature or in a large population database (gnomAD), indicating this variant is rare. At this time, the clinical significance of this variant is uncertain due to the absence of conclusive functional and genetic evidence.